The following is an entry in ClinVar:

ClinVar aggregate classification (germline): Likely benign. Review status: criteria provided, multiple submitters, no conflicts (2 of 4 stars). 3 submissions from 3 submitters: Likely benign (3). Last evaluated 2025-09-25.

Conditions:
CABP4-related disorder. Also called: CABP4-related condition.

Allele frequency attached by ClinVar (database versions not stated): gnomAD exomes 0.00002 and 0.00005; ExAC 0.00006; gnomAD 0.00017 and 0.00021; ESP Exome Variant Server 0.00023; 1000 Genomes Project 30x 0.00031; 1000 Genomes Project 0.00040.
gnomAD v4.1: 57 of 1,613,208 alleles (0.0035%); highest among the groups gnomAD compares: African/African-American, 0.065%; no homozygotes.

Submissions (3):

Labcorp Genetics (formerly Invitae), Labcorp
Classification: Likely benign. Last evaluated: 2025-09-25. Review status: criteria provided, single submitter. Criteria: Invitae Variant Classification Sherloc (09022015). Collection method: clinical testing. Allele origin: germline.

PreventionGenetics, part of Exact Sciences
Classification: Likely benign for CABP4-related condition. Last evaluated: 2024-10-22. Review status: criteria provided, single submitter. Criteria: ACMG Guidelines, 2015. Collection method: clinical testing. Allele origin: germline.
Comment: This variant is classified as likely benign based on ACMG/AMP sequence variant interpretation guidelines (Richards et al. 2015 PMID: 25741868, with internal and published modifications).

Blueprint Genetics
Classification: Likely benign. Last evaluated: 2022-11-09. Review status: criteria provided, single submitter. Criteria: ACMG Guidelines, 2015. Collection method: clinical testing. Allele origin: germline.

NM_145200.5(CABP4):c.367-6C>T

Gene: CABP4 (calcium binding protein 4; plus strand). Cytogenetic location: 11q13.2.
Variant type: single nucleotide variant.
Coding change: c.367-6C>T on transcript NM_145200.5 (MANE Select); 6 bases into the intron before coding-DNA position 367, C replaced by T.
Molecular consequence: intron variant. On other transcripts: synonymous variant (3).
Genome position (GRCh38, 1-based): chr11:67,456,182, C>T. VCF-style: chr11-67456182-C-T. GRCh37 (hg19) VCF-style: chr11-67223653-C-T.
Other names: c.46C>T, p.Leu16= (NM_001300895.3, NM_001300896.3, NM_001379183.1); c.46C>T (NM_001300896.1).
Identifiers: ClinVar variation 1079226 (VCV001079226.11), dbSNP rs184388803, ClinGen allele CA6140180.